The following is an entry in ClinVar:

ClinVar aggregate classification (germline): Uncertain significance (1 of 4 stars; one submission).

Conditions:
Joubert syndrome 8 (JBTS8). Identifiers: Orphanet 475, MedGen C2676771, MONDO:0012855, OMIM 612291.

Submission:

Labcorp Genetics (formerly Invitae), Labcorp
Classification: Uncertain significance for Joubert syndrome 8. Last evaluated: 2019-10-14. Review status: criteria provided, single submitter. Criteria: Invitae Variant Classification Sherloc (09022015). Collection method: clinical testing. Allele origin: germline.
Comment: This sequence change replaces tyrosine with phenylalanine at codon 320 of the ARL13B protein (p.Tyr320Phe). The tyrosine residue is moderately conserved and there is a small physicochemical difference between tyrosine and phenylalanine. This variant is not present in population databases (ExAC no frequency). This variant has not been reported in the literature in individuals with ARL13B-related conditions. Algorithms developed to predict the effect of missense changes on protein structure and function (SIFT, PolyPhen-2, Align-GVGD) all suggest that this variant is likely to be tolerated, but these predictions have not been confirmed by published functional studies and their clinical significance is uncertain. In summary, the available evidence is currently insufficient to determine the role of this variant in disease. Therefore, it has been classified as a Variant of Uncertain Significance.

NM_001174150.2(ARL13B):c.959A>T (p.Tyr320Phe)

Gene: ARL13B (ARF like GTPase 13B; plus strand). Cytogenetic location: 3q11.2.
Variant type: single nucleotide variant.
Coding change: c.959A>T on transcript NM_001174150.2 (MANE Select); coding-DNA position 959, A replaced by T.
Protein change: p.Tyr320Phe; replaces tyrosine 320 with phenylalanine.
Molecular consequence: missense variant. On other transcripts: non-coding transcript variant (2).
Genome position (GRCh38, 1-based): chr3:94,043,175, A>T. VCF-style: chr3-94043175-A-T. GRCh37 (hg19) VCF-style: chr3-93762019-A-T.
Other names: c.650A>T, p.Tyr217Phe (NM_001174151.2); c.914A>T, p.Tyr305Phe (NM_001321328.2); c.638A>T, p.Tyr213Phe (NM_144996.4); c.959A>T, p.Tyr320Phe (NM_182896.3); short protein forms Y217F, Y305F, Y320F, Y213F.
Identifiers: ClinVar variation 967493 (VCV000967493.6), dbSNP rs2076893582, ClinGen allele CA353679173.